The following is an entry in ClinVar:

NM_002878.4(RAD51D):c.216C>A (p.Tyr72Ter)

Genes: RAD51L3-RFFL (RAD51L3-RFFL readthrough; minus strand), RAD51D (RAD51 paralog D; minus strand). Cytogenetic location: 17q12.
Variant type: single nucleotide variant.
Coding change: c.216C>A on transcript NM_002878.4 (MANE Select); coding-DNA position 216, C replaced by A.
Protein change: p.Tyr72Ter; replaces tyrosine 72 with a stop codon.
Molecular consequence: nonsense. On other transcripts: intron variant (2).
Genome position (GRCh38, 1-based): chr17:35,118,548, G>T on the plus strand (C>A on the coding strand, the complement: RAD51D is on the minus strand). VCF-style: chr17-35118548-G-T. GRCh37 (hg19) VCF-style: chr17-33445567-G-T.
Other names: c.144+563C>A (NM_133629.3, NM_001142571.2); short protein forms Y72*.
Identifiers: ClinVar variation 480544 (VCV000480544.12), dbSNP rs148690585, ClinGen allele CA399091296.

ClinVar aggregate classification (germline): Pathogenic. Review status: criteria provided, multiple submitters, no conflicts (2 of 4 stars). 3 submissions from 3 submitters: Pathogenic (3). Last evaluated 2024-06-14.

Conditions:
Breast-ovarian cancer, familial, susceptibility to, 4. Identifiers: Orphanet 145, MedGen C3280345, MONDO:0013669, OMIM 614291.
Hereditary cancer-predisposing syndrome. Also called: Hereditary Cancer Syndrome; Neoplastic Syndromes, Hereditary; Tumor predisposition; Hereditary neoplastic syndrome. Identifiers: Orphanet 140162, MedGen C0027672, MeSH D009386, MONDO:0015356.

Submissions (3):

Labcorp Genetics (formerly Invitae), Labcorp
Classification: Pathogenic for Breast-ovarian cancer, familial, susceptibility to, 4. Last evaluated: 2024-06-14. Review status: criteria provided, single submitter. Criteria: Invitae Variant Classification Sherloc (09022015). Collection method: clinical testing. Allele origin: germline.
Comment: This sequence change creates a premature translational stop signal (p.Tyr72*) in the RAD51D gene. It is expected to result in an absent or disrupted protein product. Loss-of-function variants in RAD51D are known to be pathogenic (PMID: 21822267). This variant is not present in population databases (gnomAD no frequency). This variant has not been reported in the literature in individuals affected with RAD51D-related conditions. ClinVar contains an entry for this variant (Variation ID: 480544). Algorithms developed to predict the effect of sequence changes on RNA splicing suggest that this variant may disrupt the consensus splice site. For these reasons, this variant has been classified as Pathogenic.

Myriad Genetics, Inc.
Classification: Pathogenic for Breast-ovarian cancer, familial, susceptibility to, 4. Last evaluated: 2024-01-04. Review status: criteria provided, single submitter. Criteria: Myriad Autosomal Dominant, Autosomal Recessive and X-Linked Classification Criteria (2023). Collection method: clinical testing. Allele origin: unknown.
Comment: This variant is considered pathogenic. This variant creates a termination codon and is predicted to result in premature protein truncation.

Ambry Genetics
Classification: Pathogenic for Hereditary cancer-predisposing syndrome. Last evaluated: 2017-02-22. Review status: criteria provided, single submitter. Criteria: Ambry Variant Classification Scheme 2023. Collection method: clinical testing. Allele origin: germline.
Comment: The p.Y72* pathogenic mutation (also known as c.216C>A), located in coding exon 3 of the RAD51D gene, results from a C to A substitution at nucleotide position 216. This changes the amino acid from a tyrosine to a stop codon within coding exon 3. This alteration is expected to result in loss of function by premature protein truncation or nonsense-mediated mRNA decay. As such, this alteration is interpreted as a disease-causing mutation.

Literature cited by the submitters: PubMed 21822267 (cited by Labcorp Genetics (formerly Invitae), Labcorp).